The following is an entry in ClinVar:

ClinVar aggregate classification (germline): Conflicting classifications of pathogenicity. Review status: criteria provided, conflicting classifications (1 of 4 stars). 5 submissions from 5 submitters: Uncertain significance (4); Likely benign (1). Last evaluated 2025-12-10.

Conditions:
Systemic lupus erythematosus, susceptibility to, 9. Also called: Systemic lupus erythematosus 9. Identifiers: MedGen C1970455, MONDO:0012584, OMIM 610927.
Immunodeficiency, common variable, 7. Identifiers: Orphanet 1572, Orphanet 696894, MedGen C3542922, MONDO:0013862, OMIM 614699.

Allele frequency attached by ClinVar (database versions not stated): gnomAD 0.00021 and 0.00031; TOPMed 0.00022; ESP Exome Variant Server 0.00023; 1000 Genomes Project 30x 0.00031; 1000 Genomes Project 0.00040; gnomAD exomes 0.00053 and 0.00075; ExAC 0.00076.
gnomAD v4.1: 831 of 1,614,088 alleles (0.051%); highest among the groups gnomAD compares: South Asian, 0.41%; 8 homozygotes.

Submissions (5):

Labcorp Genetics (formerly Invitae), Labcorp
Classification: Likely benign for Immunodeficiency, common variable, 7. Last evaluated: 2025-12-10. Review status: criteria provided, single submitter. Criteria: Invitae Variant Classification Sherloc (09022015). Collection method: clinical testing. Allele origin: germline.

Center for Genomic Medicine, Rigshospitalet, Copenhagen University Hospital
Classification: Uncertain significance. Last evaluated: 2025-03-04. Review status: criteria provided, single submitter. Criteria: ACMG Guidelines, 2015. Collection method: clinical testing. Allele origin: germline.

CeGaT Center for Human Genetics Tuebingen
Classification: Uncertain significance. Last evaluated: 2021-10-01. Review status: criteria provided, single submitter. Criteria: CeGaT Center For Human Genetics Tuebingen Variant Classification Criteria Version 2. Collection method: clinical testing. Allele origin: germline. Affected: yes. Observed: 1 variant allele.

Genomic Diagnostic Laboratory, Division of Genomic Diagnostics, Children's Hospital of Philadelphia
Classification: Uncertain significance. Last evaluated: 2015-09-24. Review status: criteria provided, single submitter. Criteria: DGD Variant Analysis Guidelines. Collection method: clinical testing. Allele origin: unknown.

Center for Genomics, Ann and Robert H. Lurie Children's Hospital of Chicago
Classification: Uncertain significance for Immunodeficiency, common variable, 7; Systemic lupus erythematosus, susceptibility to, 9. Review status: criteria provided, single submitter. Criteria: ACMG Guidelines, 2015. Collection method: clinical testing. Allele origin: germline.
Comment: CR2 NM_001006658.2 exon 16 p.Gln1011His (c.3033G>C): This variant has not been reported in the literature but is present in 0.02% (18/68036) of European alleles in the Genome Aggregation Database. This variant is present in ClinVar (Variation ID:252503). Evolutionary conservation suggests that this variant may not impact the protein; computational predictive tools for this variant are unclear. In summary, data on this variant is insufficient for disease classification. Therefore, the clinical significance of this variant is uncertain.

Literature cited by the submitters: PubMed 32888943 (cited by Center for Genomic Medicine, Rigshospitalet, Copenhagen University Hospital).

NM_001006658.3(CR2):c.3033G>C (p.Gln1011His)

Gene: CR2 (complement C3d receptor 2; plus strand). Cytogenetic location: 1q32.2.
Variant type: single nucleotide variant.
Coding change: c.3033G>C on transcript NM_001006658.3 (MANE Select); coding-DNA position 3033, G replaced by C.
Protein change: p.Gln1011His; replaces glutamine 1011 with histidine.
Molecular consequence: missense variant.
Genome position (GRCh38, 1-based): chr1:207,478,015, G>C. VCF-style: chr1-207478015-G-C. GRCh37 (hg19) VCF-style: chr1-207651360-G-C.
Other names: c.2856G>C, p.Gln952His (NM_001877.5); short protein forms Q1011H, Q952H.
Identifiers: ClinVar variation 252503 (VCV000252503.48), dbSNP rs200182370, ClinGen allele CA1369108.